The following is an entry in ClinVar:

ClinVar aggregate classification (germline): Uncertain significance. Review status: criteria provided, multiple submitters, no conflicts (2 of 4 stars). 4 submissions from 4 submitters: Uncertain significance (4). Last evaluated 2026-02-06.

Conditions:
Sarcotubular myopathy (LGMDR8). Also called: MUSCULAR DYSTROPHY, LIMB-GIRDLE, AUTOSOMAL RECESSIVE 8; Limb-girdle muscular dystrophy, type 2H; Hutterite type of muscular dystrophy; Autosomal recessive limb-girdle muscular dystrophy type 2H. Identifiers: Orphanet 1878, MedGen C0270968, MONDO:0009683, OMIM 254110.
Bardet-Biedl syndrome 11 (BBS11). Identifiers: Orphanet 110, MedGen C1859569, MONDO:0014439, OMIM 615988.
TRIM32-related disorder. Also called: TRIM32-related condition.
Inborn genetic diseases. Identifiers: MedGen C0950123, MeSH D030342.
Bardet-Biedl syndrome (BBS). Identifiers: Orphanet 110, MedGen C0752166, MONDO:0015229.

Allele frequency attached by ClinVar (database versions not stated): gnomAD 0.00002 and 0.00003; TOPMed 0.00005; 1000 Genomes Project 0.00020; 1000 Genomes Project 30x 0.00031.
gnomAD v4.1: 44 of 1,614,126 alleles (0.0027%); highest among the groups gnomAD compares: African/African-American, 0.0053%; no homozygotes.

Submissions (4):

PreventionGenetics, part of Exact Sciences
Classification: Uncertain significance for TRIM32-related condition. Last evaluated: 2026-02-06. Review status: criteria provided, single submitter. Criteria: ACMG Guidelines, 2015. Collection method: clinical testing. Allele origin: germline.
Comment: The TRIM32 c.440G>A variant is predicted to result in the amino acid substitution p.Arg147Gln. To our knowledge, this variant has not been reported in the literature. This variant is reported in 0.0062% of alleles in individuals of African descent in gnomAD. At this time, the clinical significance of this variant is uncertain due to the absence of conclusive functional and genetic evidence.

Ambry Genetics
Classification: Uncertain significance for Inborn genetic diseases. Last evaluated: 2025-09-10. Review status: criteria provided, single submitter. Criteria: Ambry Variant Classification Scheme 2023. Collection method: clinical testing. Allele origin: germline.

Labcorp Genetics (formerly Invitae), Labcorp
Classification: Uncertain significance for Bardet-Biedl syndrome. Last evaluated: 2022-07-19. Review status: criteria provided, single submitter. Criteria: Invitae Variant Classification Sherloc (09022015). Collection method: clinical testing. Allele origin: germline.
Comment: This sequence change replaces arginine, which is basic and polar, with glutamine, which is neutral and polar, at codon 147 of the TRIM32 protein (p.Arg147Gln). This variant is present in population databases (rs552938001, gnomAD 0.007%). This variant has not been reported in the literature in individuals affected with TRIM32-related conditions. ClinVar contains an entry for this variant (Variation ID: 462948). Algorithms developed to predict the effect of missense changes on protein structure and function (SIFT, PolyPhen-2, Align-GVGD) all suggest that this variant is likely to be tolerated. In summary, the available evidence is currently insufficient to determine the role of this variant in disease. Therefore, it has been classified as a Variant of Uncertain Significance.

Fulgent Genetics
Classification: Uncertain significance for Sarcotubular myopathy; Bardet-Biedl syndrome 11. Last evaluated: 2022-04-14. Review status: criteria provided, single submitter. Criteria: ACMG Guidelines, 2015. Collection method: clinical testing. Allele origin: unknown.

NM_012210.4(TRIM32):c.440G>A (p.Arg147Gln)

Genes: ASTN2 (astrotactin 2; minus strand), TRIM32 (tripartite motif containing 32; plus strand). Cytogenetic location: 9q33.1.
Variant type: single nucleotide variant.
Coding change: c.440G>A on transcript NM_012210.4 (MANE Select); coding-DNA position 440, G replaced by A.
Protein change: p.Arg147Gln; replaces arginine 147 with glutamine.
Molecular consequence: missense variant. On other transcripts: intron variant (3).
Genome position (GRCh38, 1-based): chr9:116,698,182, G>A. VCF-style: chr9-116698182-G-A. GRCh37 (hg19) VCF-style: chr9-119460461-G-A.
Other names: c.2653+27589C>T (NM_014010.5); c.2794+27589C>T (NM_001365069.1); c.2806+27589C>T (NM_001365068.1); c.440G>A, p.Arg147Gln (NM_001099679.2, NM_001379048.1, NM_001379049.1 and 1 more transcripts); short protein forms R147Q.
Identifiers: ClinVar variation 462948 (VCV000462948.14), dbSNP rs552938001, ClinGen allele CA5210975.